The following is an entry in ClinVar:

NM_003126.4(SPTA1):c.957+1G>A

Gene: SPTA1 (spectrin alpha, erythrocytic 1; minus strand). Cytogenetic location: 1q23.1.
Variant type: single nucleotide variant.
Coding change: c.957+1G>A on transcript NM_003126.4 (MANE Select); the canonical splice donor site of the intron after coding-DNA position 957, G replaced by A.
Molecular consequence: splice donor variant.
Genome position (GRCh38, 1-based): chr1:158,677,689, C>T on the plus strand (G>A on the coding strand, the complement: SPTA1 is on the minus strand). VCF-style: chr1-158677689-C-T. GRCh37 (hg19) VCF-style: chr1-158647479-C-T.
Identifiers: ClinVar variation 1163755 (VCV001163755.6), dbSNP rs373407146, ClinGen allele CA1183966.

ClinVar aggregate classification (germline): Likely pathogenic. Review status: criteria provided, multiple submitters, no conflicts (2 of 4 stars). 2 submissions from 2 submitters: Likely pathogenic (2). Last evaluated 2025-06-11.

Allele frequency attached by ClinVar (database versions not stated): TOPMed below 0.00001; ExAC 0.00001; ESP Exome Variant Server 0.00016.
gnomAD v4.1: 1 of 1,613,274 alleles (0.000062%); no homozygotes.

Submissions (2):

Labcorp Genetics (formerly Invitae), Labcorp
Classification: Likely pathogenic. Last evaluated: 2025-06-11. Review status: criteria provided, single submitter. Criteria: Invitae Variant Classification Sherloc (09022015). Collection method: clinical testing. Allele origin: germline.
Comment: This sequence change affects a donor splice site in intron 7 of the SPTA1 gene. It is expected to disrupt RNA splicing. Variants that disrupt the donor or acceptor splice site typically lead to a loss of protein function (PMID: 16199547), and loss-of-function variants in SPTA1 are known to be pathogenic (PMID: 9192783, 18815189, 31333484, 31723846, 32266426). The frequency data for this variant in the population databases is considered unreliable, as metrics indicate poor data quality at this position in the gnomAD database. This variant has not been reported in the literature in individuals affected with SPTA1-related conditions. ClinVar contains an entry for this variant (Variation ID: 1163755). Algorithms developed to predict the effect of sequence changes on RNA splicing suggest that this variant may disrupt the consensus splice site. In summary, the currently available evidence indicates that the variant is pathogenic, but additional data are needed to prove that conclusively. Therefore, this variant has been classified as Likely Pathogenic.

Mayo Clinic Laboratories, Mayo Clinic
Classification: Likely pathogenic. Last evaluated: 2021-03-09. Review status: criteria provided, single submitter. Criteria: ACMG Guidelines, 2015. Collection method: clinical testing. Allele origin: germline. Observed: 1 variant allele.
Comment: PVS1_strong, PM2

Literature cited by the submitters: PubMed 16199547 (cited by Labcorp Genetics (formerly Invitae), Labcorp); PubMed 9192783 (cited by Labcorp Genetics (formerly Invitae), Labcorp); PubMed 18815189 (cited by Labcorp Genetics (formerly Invitae), Labcorp); PubMed 31333484 (cited by Labcorp Genetics (formerly Invitae), Labcorp); PubMed 31723846 (cited by Labcorp Genetics (formerly Invitae), Labcorp); PubMed 32266426 (cited by Labcorp Genetics (formerly Invitae), Labcorp); PubMed 31602632 (cited by Mayo Clinic Laboratories, Mayo Clinic).